The following is an entry in ClinVar:

ClinVar aggregate classification (germline): Benign/Likely benign. Review status: criteria provided, multiple submitters, no conflicts (2 of 4 stars). 2 submissions from 2 submitters: Benign (1); Likely benign (1). Last evaluated 2025-11-24.

Allele frequency attached by ClinVar (database versions not stated): gnomAD exomes 0.00003; ExAC 0.00013; 1000 Genomes Project 30x 0.00016; TOPMed 0.00033; gnomAD 0.00034; ESP Exome Variant Server 0.00062.
gnomAD v4.1: 89 of 1,614,032 alleles (0.0055%); highest among the groups gnomAD compares: African/African-American, 0.1%; no homozygotes.

Submissions (2):

Labcorp Genetics (formerly Invitae), Labcorp
Classification: Benign. Last evaluated: 2025-11-24. Review status: criteria provided, single submitter. Criteria: Invitae Variant Classification Sherloc (09022015). Collection method: clinical testing. Allele origin: germline.

CeGaT Center for Human Genetics Tuebingen
Classification: Likely benign. Last evaluated: 2023-02-01. Review status: criteria provided, single submitter. Criteria: CeGaT Center For Human Genetics Tuebingen Variant Classification Criteria Version 2. Collection method: clinical testing. Allele origin: germline. Affected: yes. Observed: 1 variant allele.
Comment: CHD4: BP4, BS1

NM_001273.5(CHD4):c.3222+7T>C

Gene: CHD4 (chromodomain helicase DNA binding protein 4; minus strand). Cytogenetic location: 12p13.31.
Variant type: single nucleotide variant.
Coding change: c.3222+7T>C on transcript NM_001273.5 (MANE Select); 7 bases into the intron after coding-DNA position 3222, T replaced by C.
Molecular consequence: intron variant.
Genome position (GRCh38, 1-based): chr12:6,591,687, A>G on the plus strand (T>C on the coding strand, the complement: CHD4 is on the minus strand). VCF-style: chr12-6591687-A-G. GRCh37 (hg19) VCF-style: chr12-6700853-A-G.
Other names: c.3183+7T>C (NM_001363606.2); c.3201+7T>C (NM_001297553.2).
Identifiers: ClinVar variation 2642627 (VCV002642627.25), dbSNP rs374489035, ClinGen allele CA6411824.